The following is an entry in ClinVar:

NM_000257.4(MYH7):c.2045G>T (p.Gly682Val)

Gene: MYH7 (myosin heavy chain 7; minus strand). Cytogenetic location: 14q11.2.
Variant type: single nucleotide variant.
Coding change: c.2045G>T on transcript NM_000257.4 (MANE Select); coding-DNA position 2045, G replaced by T.
Protein change: p.Gly682Val; replaces glycine 682 with valine.
Molecular consequence: missense variant.
Genome position (GRCh38, 1-based): chr14:23,426,081, C>A on the plus strand (G>T on the coding strand, the complement: MYH7 is on the minus strand). VCF-style: chr14-23426081-C-A. GRCh37 (hg19) VCF-style: chr14-23895290-C-A.
Other names: c.2045G>T, p.Gly682Val (NM_001407004.1); short protein forms G682V.
Identifiers: ClinVar variation 4747596 (VCV004747596.2).

ClinVar aggregate classification (germline): Uncertain significance. Review status: criteria provided, multiple submitters, no conflicts (2 of 4 stars). 2 submissions from 2 submitters: Uncertain significance (2). Last evaluated 2026-01-24.

Conditions:
Hypertrophic cardiomyopathy. Also called: HYPERTROPHIC MYOCARDIOPATHY. Identifiers: Orphanet 217569, MedGen C0007194, MeSH D002312, MONDO:0005045, HP:0001639.
Cardiovascular phenotype. Identifiers: MedGen CN230736.

Submissions (2):

Ambry Genetics
Classification: Uncertain significance for Cardiovascular phenotype. Last evaluated: 2026-01-24. Review status: criteria provided, single submitter. Criteria: Ambry Variant Classification Scheme 2023. Collection method: clinical testing. Allele origin: germline.
Comment: The p.G682V variant (also known as c.2045G>T) is located in coding exon 17 of the MYH7 gene. The glycine at codon 682 is replaced by valine, an amino acid with dissimilar properties. This change occurs in the first base pair of coding exon 17. This amino acid position is conserved. In addition, this alteration is predicted to be deleterious by in silico analysis. Based on the available evidence, the clinical significance of this variant remains unclear.

Labcorp Genetics (formerly Invitae), Labcorp
Classification: Uncertain significance for Hypertrophic cardiomyopathy. Last evaluated: 2025-09-27. Review status: criteria provided, single submitter. Criteria: Invitae Variant Classification Sherloc (09022015). Collection method: clinical testing. Allele origin: germline.
Comment: This sequence change replaces glycine, which is neutral and non-polar, with valine, which is neutral and non-polar, at codon 682 of the MYH7 protein (p.Gly682Val). This variant is not present in population databases (gnomAD no frequency). This variant has not been reported in the literature in individuals affected with MYH7-related conditions. An algorithm developed to predict the effect of missense changes on protein structure and function (PolyPhen-2) suggests that this variant is likely to be disruptive. In summary, the available evidence is currently insufficient to determine the role of this variant in disease. Therefore, it has been classified as a Variant of Uncertain Significance.